The following is an entry in ClinVar:

ClinVar aggregate classification (germline): Uncertain significance. Review status: criteria provided, multiple submitters, no conflicts (2 of 4 stars). 2 submissions from 2 submitters: Uncertain significance (2). Last evaluated 2023-02-19.

Conditions:
Leukocyte adhesion deficiency 1 (LAD1). Also called: LEUKOCYTE ADHESION DEFICIENCY, TYPE I; LAD 1; Lymphocyte function-associated antigen 1 immunodeficiency; LFA 1 immunodeficiency. Identifiers: Orphanet 2968, Orphanet 99842, MedGen C0398738, MONDO:0007293, OMIM 116920.

Allele frequency attached by ClinVar (database versions not stated): ExAC 0.00002; gnomAD 0.00002 and 0.00003; TOPMed 0.00002; gnomAD exomes 0.00003.
gnomAD v4.1: 28 of 1,614,018 alleles (0.0017%); highest among the groups gnomAD compares: Middle Eastern, 0.016%; no homozygotes.

Submissions (2):

Labcorp Genetics (formerly Invitae), Labcorp
Classification: Uncertain significance for Leukocyte adhesion deficiency 1. Last evaluated: 2023-02-19. Review status: criteria provided, single submitter. Criteria: Invitae Variant Classification Sherloc (09022015). Collection method: clinical testing. Allele origin: germline.
Comment: ClinVar contains an entry for this variant (Variation ID: 644585). This variant has not been reported in the literature in individuals affected with ITGB2-related conditions. This variant is present in population databases (rs752903416, gnomAD 0.009%). This sequence change replaces alanine, which is neutral and non-polar, with threonine, which is neutral and polar, at codon 373 of the ITGB2 protein (p.Ala373Thr). Algorithms developed to predict the effect of missense changes on protein structure and function output the following: SIFT: "Not Available"; PolyPhen-2: "Benign"; Align-GVGD: "Not Available". The threonine amino acid residue is found in multiple mammalian species, which suggests that this missense change does not adversely affect protein function. In summary, the available evidence is currently insufficient to determine the role of this variant in disease. Therefore, it has been classified as a Variant of Uncertain Significance.

Breakthrough Genomics
Classification: Uncertain significance. Review status: criteria provided, single submitter. Criteria: ACMG Guidelines, 2015. Collection method: not provided. Allele origin: germline. Inheritance: Autosomal dominant inheritance. Affected: yes.

NM_000211.5(ITGB2):c.1117G>A (p.Ala373Thr)

Gene: ITGB2 (integrin subunit beta 2; minus strand). Cytogenetic location: 21q22.3.
Variant type: single nucleotide variant.
Coding change: c.1117G>A on transcript NM_000211.5 (MANE Select); coding-DNA position 1117, G replaced by A.
Protein change: p.Ala373Thr; replaces alanine 373 with threonine.
Molecular consequence: missense variant.
Genome position (GRCh38, 1-based): chr21:44,893,511, C>T on the plus strand (G>A on the coding strand, the complement: ITGB2 is on the minus strand). VCF-style: chr21-44893511-C-T. GRCh37 (hg19) VCF-style: chr21-46313426-C-T.
Other names: c.1117G>A, p.Ala373Thr (NM_001127491.3); c.910G>A, p.Ala304Thr (NM_001303238.2); short protein forms A304T, A373T.
Identifiers: ClinVar variation 644585 (VCV000644585.9), dbSNP rs752903416, ClinGen allele CA10062922.